The following is an entry in ClinVar:

NM_000166.6(GJB1):c.230G>C (p.Trp77Ser)

Gene: GJB1 (gap junction protein beta 1; plus strand). Cytogenetic location: Xq13.1.
Variant type: single nucleotide variant.
Coding change: c.230G>C on transcript NM_000166.6 (MANE Select); coding-DNA position 230, G replaced by C.
Protein change: p.Trp77Ser; replaces tryptophan 77 with serine.
Molecular consequence: missense variant.
Genome position (GRCh38, 1-based): chrX:71,223,937, G>C. VCF-style: chrX-71223937-G-C. GRCh37 (hg19) VCF-style: chrX-70443787-G-C.
Other names: c.230G>C, p.Trp77Ser (NM_001097642.3); short protein forms W77S.
Identifiers: ClinVar variation 637499 (VCV000637499.8), dbSNP rs199570177, ClinGen allele CA330997697.

ClinVar aggregate classification (germline): Uncertain significance. Review status: criteria provided, single submitter (1 of 4 stars). 2 submissions from 2 submitters: Uncertain significance (1). 1 of the submissions does not count toward it. Last evaluated 2024-07-08.

Conditions:
Charcot-Marie-Tooth Neuropathy X. Identifiers: MedGen CN118851.
Charcot-Marie-Tooth disease. Also called: Charcot-Marie-Tooth Hereditary Neuropathy; Charcot-Marie-Tooth Neuropathy. Identifiers: Orphanet 166, MedGen C0007959, MONDO:0015626.

Submissions (2):

Labcorp Genetics (formerly Invitae), Labcorp
Classification: Uncertain significance for Charcot-Marie-Tooth Neuropathy X. Last evaluated: 2024-07-08. Review status: criteria provided, single submitter. Criteria: Invitae Variant Classification Sherloc (09022015). Collection method: clinical testing. Allele origin: germline.
Comment: This sequence change replaces tryptophan, which is neutral and slightly polar, with serine, which is neutral and polar, at codon 77 of the GJB1 protein (p.Trp77Ser). This variant is not present in population databases (gnomAD no frequency). This missense change has been observed in individual(s) with Charcot-Marie-Tooth disease (PMID: 8737658). ClinVar contains an entry for this variant (Variation ID: 637499). Advanced modeling of protein sequence and biophysical properties (such as structural, functional, and spatial information, amino acid conservation, physicochemical variation, residue mobility, and thermodynamic stability) performed at Invitae indicates that this missense variant is expected to disrupt GJB1 protein function with a positive predictive value of 80%. This variant disrupts the p.Trp77 amino acid residue in GJB1. Other variant(s) that disrupt this residue have been observed in individuals with GJB1-related conditions (PMID: 8737658; Invitae), which suggests that this may be a clinically significant amino acid residue. In summary, the available evidence is currently insufficient to determine the role of this variant in disease. Therefore, it has been classified as a Variant of Uncertain Significance.

Inherited Neuropathy Consortium
Classification: Uncertain significance for Charcot-Marie-Tooth disease. Review status: no assertion criteria provided. Collection method: literature only. Allele origin: germline. Affected: yes. Not counted in ClinVar's aggregate classification.

Literature cited by the submitters: PubMed 8737658 (cited by Labcorp Genetics (formerly Invitae), Labcorp); PubMed 10873293 (cited by Inherited Neuropathy Consortium).